The following is an entry in ClinVar:

ClinVar aggregate classification (germline): Uncertain significance (1 of 4 stars; one submission).

Allele frequency attached by ClinVar (database versions not stated): TOPMed below 0.00001.
gnomAD v4.1: 32 of 1,613,770 alleles (0.002%); highest among the groups gnomAD compares: Non-Finnish European, 0.0019%; no homozygotes.

Submission:

Labcorp Genetics (formerly Invitae), Labcorp
Classification: Uncertain significance. Last evaluated: 2022-09-07. Review status: criteria provided, single submitter. Criteria: Invitae Variant Classification Sherloc (09022015). Collection method: clinical testing. Allele origin: germline.
Comment: This sequence change replaces threonine, which is neutral and polar, with isoleucine, which is neutral and non-polar, at codon 88 of the IFNAR2 protein (p.Thr88Ile). This variant is not present in population databases (gnomAD no frequency). This variant has not been reported in the literature in individuals affected with IFNAR2-related conditions. Algorithms developed to predict the effect of missense changes on protein structure and function output the following: SIFT: "Tolerated"; PolyPhen-2: "Benign"; Align-GVGD: "Class C0". The isoleucine amino acid residue is found in multiple mammalian species, which suggests that this missense change does not adversely affect protein function. Algorithms developed to predict the effect of sequence changes on RNA splicing suggest that this variant may create or strengthen a splice site. In summary, the available evidence is currently insufficient to determine the role of this variant in disease. Therefore, it has been classified as a Variant of Uncertain Significance.

NM_001289125.3(IFNAR2):c.263C>T (p.Thr88Ile)

Genes: IFNAR2 (interferon alpha and beta receptor subunit 2; plus strand), IFNAR2-IL10RB (IFNAR2-IL10RB readthrough; plus strand). Cytogenetic location: 21q22.11.
Variant type: single nucleotide variant.
Coding change: c.263C>T on transcript NM_001289125.3 (MANE Select); coding-DNA position 263, C replaced by T.
Protein change: p.Thr88Ile; replaces threonine 88 with isoleucine.
Molecular consequence: missense variant.
Genome position (GRCh38, 1-based): chr21:33,246,759, C>T. VCF-style: chr21-33246759-C-T. GRCh37 (hg19) VCF-style: chr21-34619064-C-T.
Other names: c.263C>T, p.Thr88Ile (NM_001414505.1, NM_000874.5, NM_001289126.2 and 5 more transcripts); short protein forms T88I.
Identifiers: ClinVar variation 1935358 (VCV001935358.2), dbSNP rs1415566196, ClinGen allele CA410096809.